The following is an entry in ClinVar:

ClinVar aggregate classification (germline): Benign. Review status: criteria provided, multiple submitters, no conflicts (2 of 4 stars). 3 submissions from 3 submitters: Benign (3). Last evaluated 2026-01-27.

Conditions:
MYH7B-related disorder. Also called: MYH7B-related condition.

Allele frequency attached by ClinVar (database versions not stated): gnomAD exomes 0.00071 and 0.00186; ExAC 0.00222; 1000 Genomes Project 0.00719; ESP Exome Variant Server 0.00723; 1000 Genomes Project 30x 0.00734; gnomAD 0.00781 and 0.00847; TOPMed 0.00878.
gnomAD v4.1: 2,267 of 1,612,358 alleles (0.14%); highest among the groups gnomAD compares: African/African-American, 2.8%; 31 homozygotes.

Submissions (3):

Labcorp Genetics (formerly Invitae), Labcorp
Classification: Benign. Last evaluated: 2026-01-27. Review status: criteria provided, single submitter. Criteria: Invitae Variant Classification Sherloc (09022015). Collection method: clinical testing. Allele origin: germline.

PreventionGenetics, part of Exact Sciences
Classification: Benign for MYH7B-related condition. Last evaluated: 2024-10-20. Review status: criteria provided, single submitter. Criteria: ACMG Guidelines, 2015. Collection method: clinical testing. Allele origin: germline.
Comment: This variant is classified as benign based on ACMG/AMP sequence variant interpretation guidelines (Richards et al. 2015 PMID: 25741868, with internal and published modifications).

Breakthrough Genomics
Classification: Benign. Review status: criteria provided, single submitter. Criteria: ACMG Guidelines, 2015. Collection method: not provided. Allele origin: germline. Inheritance: Unknown mechanism. Affected: yes.

NM_020884.7(MYH7B):c.5298C>T (p.Ile1766=)

Gene: MYH7B (myosin heavy chain 7B; plus strand). Cytogenetic location: 20q11.22.
Variant type: single nucleotide variant.
Coding change: c.5298C>T on transcript NM_020884.7 (MANE Select); coding-DNA position 5298, C replaced by T.
Protein change: p.Ile1766=; no amino-acid change (isoleucine 1766 retained).
Molecular consequence: synonymous variant.
Genome position (GRCh38, 1-based): chr20:35,000,887, C>T. VCF-style: chr20-35000887-C-T. GRCh37 (hg19) VCF-style: chr20-33588690-C-T.
Identifiers: ClinVar variation 790771 (VCV000790771.12), dbSNP rs114338844, ClinGen allele CA9828493.